The following is an entry in ClinVar:

NM_005876.5(SPEG):c.2528C>A (p.Thr843Asn)

Gene: SPEG (striated muscle enriched protein kinase; plus strand). Cytogenetic location: 2q35.
Variant type: single nucleotide variant.
Coding change: c.2528C>A on transcript NM_005876.5 (MANE Select); coding-DNA position 2528, C replaced by A.
Protein change: p.Thr843Asn; replaces threonine 843 with asparagine.
Molecular consequence: missense variant. On other transcripts: 5 prime UTR variant (1).
Genome position (GRCh38, 1-based): chr2:219,461,969, C>A. VCF-style: chr2-219461969-C-A. GRCh37 (hg19) VCF-style: chr2-220326691-C-A.
Other names: c.-20C>A (NM_001173476.2); short protein forms T843N.
Identifiers: ClinVar variation 1492337 (VCV001492337.3), dbSNP rs770603711, ClinGen allele CA2125865.

ClinVar aggregate classification (germline): Uncertain significance (1 of 4 stars; one submission).

Allele frequency attached by ClinVar (database versions not stated): TOPMed 0.00002; gnomAD 0.00003; gnomAD exomes 0.00004; ExAC 0.00006.
gnomAD v4.1: 59 of 1,613,648 alleles (0.0037%); highest among the groups gnomAD compares: Non-Finnish European, 0.0047%; no homozygotes.

Submission:

Labcorp Genetics (formerly Invitae), Labcorp
Classification: Uncertain significance. Last evaluated: 2021-10-06. Review status: criteria provided, single submitter. Criteria: Invitae Variant Classification Sherloc (09022015). Collection method: clinical testing. Allele origin: germline.
Comment: This sequence change replaces threonine with asparagine at codon 843 of the SPEG protein (p.Thr843Asn). The threonine residue is highly conserved and there is a small physicochemical difference between threonine and asparagine. This variant is present in population databases (rs770603711, ExAC 0.01%). This variant has not been reported in the literature in individuals affected with SPEG-related conditions. Algorithms developed to predict the effect of missense changes on protein structure and function (SIFT, PolyPhen-2, Align-GVGD) all suggest that this variant is likely to be tolerated. In summary, the available evidence is currently insufficient to determine the role of this variant in disease. Therefore, it has been classified as a Variant of Uncertain Significance.